The following is an entry in ClinVar:

NM_001297.5(CNGB1):c.3560G>A (p.Arg1187Gln)

Gene: CNGB1 (cyclic nucleotide gated channel subunit beta 1; minus strand). Cytogenetic location: 16q21.
Variant type: single nucleotide variant.
Coding change: c.3560G>A on transcript NM_001297.5 (MANE Select); coding-DNA position 3560, G replaced by A.
Protein change: p.Arg1187Gln; replaces arginine 1187 with glutamine.
Molecular consequence: missense variant.
Genome position (GRCh38, 1-based): chr16:57,884,360, C>T on the plus strand (G>A on the coding strand, the complement: CNGB1 is on the minus strand). VCF-style: chr16-57884360-C-T. GRCh37 (hg19) VCF-style: chr16-57918264-C-T.
Other names: c.3542G>A, p.Arg1181Gln (NM_001286130.2); short protein forms R1187Q, R1181Q.
Identifiers: ClinVar variation 320058 (VCV000320058.21), dbSNP rs543712958, ClinGen allele CA8082505.
Genomic context (GRCh38, chr16:57,884,360, plus strand): 5'-CTCCCAAGGGAGGCAGGCGGTGGAGAGCTCGGTGGAGACCCCGGGGGCTCGGGGGGCGTC[C>T]GGGGCGCGGGTGGGTCGGTGGCGGCCTCCTTTGGGTGCGTGTGCTGGTCTGGGGCGGCGG-3'
Protein context (NP_001288.3, residues 1177-1197): KEAATDPPAP[Arg1187Gln]TPPEPPGSPP

ClinVar aggregate classification (germline): Conflicting classifications of pathogenicity. Review status: criteria provided, conflicting classifications (1 of 4 stars). 8 submissions from 8 submitters: Uncertain significance (1); Benign (1); Likely benign (2). 4 of the submissions do not count toward it. Last evaluated 2026-01-28.

Conditions:
CNGB1-related disorder. Also called: CNGB1-related condition.
Retinitis pigmentosa (RP). Identifiers: Orphanet 791, MedGen C0035334, MeSH D012174, MONDO:0019200, OMIM 268000. Inheritance: Autosomal dominant, autosomal recessive and X linked inheritance.
Inborn genetic diseases. Identifiers: MedGen C0950123, MeSH D030342.

Allele frequency attached by ClinVar (database versions not stated): gnomAD 0.00004 and 0.00036; TOPMed 0.00008; 1000 Genomes Project 30x 0.00172; 1000 Genomes Project 0.00180.
gnomAD v4.1: 946 of 1,610,230 alleles (0.059%); highest among the groups gnomAD compares: South Asian, 0.89%; 14 homozygotes.

Submissions (8):

Labcorp Genetics (formerly Invitae), Labcorp
Classification: Benign. Last evaluated: 2026-01-28. Review status: criteria provided, single submitter. Criteria: Invitae Variant Classification Sherloc (09022015). Collection method: clinical testing. Allele origin: germline.

Blueprint Genetics
Classification: Likely benign. Last evaluated: 2024-11-27. Review status: criteria provided, single submitter. Criteria: ACMG Guidelines, 2015. Collection method: clinical testing. Allele origin: germline.

Ambry Genetics
Classification: Likely benign for Inborn genetic diseases. Last evaluated: 2022-08-03. Review status: criteria provided, single submitter. Criteria: Ambry Variant Classification Scheme 2023. Collection method: clinical testing. Allele origin: germline.

Illumina Laboratory Services, Illumina
Classification: Uncertain significance for Retinitis pigmentosa. Last evaluated: 2018-01-13. Review status: criteria provided, single submitter. Criteria: ICSL Variant Classification Criteria 13 December 2019. Collection method: clinical testing. Allele origin: germline.

PreventionGenetics, part of Exact Sciences
Classification: Benign for CNGB1-related condition. Last evaluated: 2019-07-03. Review status: no assertion criteria provided. Collection method: clinical testing. Allele origin: germline. Not counted in ClinVar's aggregate classification.
Comment: This variant is classified as benign based on ACMG/AMP sequence variant interpretation guidelines (Richards et al. 2015 PMID: 25741868, with internal and published modifications).

Clinical Genetics DNA and cytogenetics Diagnostics Lab, Erasmus MC, Erasmus Medical Center
Classification: Likely benign. Review status: no assertion criteria provided. Collection method: clinical testing. Allele origin: germline. Affected: yes. Study: VKGL Data-share Consensus. Not counted in ClinVar's aggregate classification.

Clinical Genetics, Academic Medical Center
Classification: Likely benign. Review status: no assertion criteria provided. Collection method: clinical testing. Allele origin: germline. Affected: yes. Study: VKGL Data-share Consensus. Not counted in ClinVar's aggregate classification.

Department of Pathology and Laboratory Medicine, Sinai Health System
Classification: Likely benign. Review status: no assertion criteria provided. Collection method: clinical testing. Allele origin: unknown. Affected: yes. Study: The Canadian Open Genetics Repository (COGR). Not counted in ClinVar's aggregate classification.
Comment: The CNGB1 p.Arg1181Gln variant was not identified in the literature but was identified in dbSNP (ID: rs543712958), ClinVar (classified as uncertain significance by Illumina) and LOVD 3.0 (classified as likely benign). The variant was identified in control databases in 276 of 269178 chromosomes (1 homozygous) at a frequency of 0.001025 increasing the likelihood this could be a low frequency benign variant (Genome Aggregation Database March 6, 2019, v2.1.1). The variant was observed in the following populations: South Asian in 253 of 30428 chromosomes (freq: 0.008315), Other in 2 of 6942 chromosomes (freq: 0.000288), European (non-Finnish) in 19 of 120534 chromosomes (freq: 0.000158) and African in 2 of 22564 chromosomes (freq: 0.000089), but was not observed in the Latino, Ashkenazi Jewish, East Asian, or European (Finnish) populations. The p.Arg1181 residue is not conserved in mammals and computational analyses (PolyPhen-2, SIFT, AlignGVGD, BLOSUM, MutationTaster) do not suggest a high likelihood of impact to the protein; however, this information is not predictive enough to rule out pathogenicity. The variant occurs outside of the splicing consensus sequence and three of four in silico or computational prediction software programs (SpliceSiteFinder, MaxEntScan, NNSPLICE, GeneSplicer) do not predict a greater than 10% difference in splicing; this is not very predictive of pathogenicity. In summary, based on the above information the clinical significance of this variant cannot be determined with certainty at this time although we would lean towards a more benign role for this variant. This variant is classified as likely benign.